The following is an entry in ClinVar:

NM_022356.4(P3H1):c.940+1G>T

Gene: P3H1 (prolyl 3-hydroxylase 1; minus strand). Cytogenetic location: 1p34.2.
Variant type: single nucleotide variant.
Coding change: c.940+1G>T on transcript NM_022356.4 (MANE Select); the canonical splice donor site of the intron after coding-DNA position 940, G replaced by T.
Molecular consequence: splice donor variant.
Genome position (GRCh38, 1-based): chr1:42,758,851, C>A on the plus strand (G>T on the coding strand, the complement: P3H1 is on the minus strand). VCF-style: chr1-42758851-C-A. GRCh37 (hg19) VCF-style: chr1-43224522-C-A.
Other names: c.940+1G>T (NM_001146289.2, NM_001243246.2).
Identifiers: ClinVar variation 566929 (VCV000566929.7), dbSNP rs762525651, ClinGen allele CA802028.
Genomic context (GRCh38, chr1:42,758,851, plus strand): 5'-CCACCTTGCCTTTAGCTTCTTAGTTAGCCAGCAGAGAAAGAGGAAGGAAAGTAGGCCTTA[C>A]TGTTATAGTAGGCAAACTGCAGATAATTATAATGCGATGGGAGGAAGTCTTCAAAGGGCT-3'

ClinVar aggregate classification (germline): Likely pathogenic (1 of 4 stars; one submission).

Conditions:
Osteogenesis imperfecta type 8 (OI8). Identifiers: MedGen C1970458, MONDO:0012581, OMIM 610915.

Allele frequency attached by ClinVar (database versions not stated): ExAC 0.00001; gnomAD 0.00001; gnomAD exomes 0.00001.
gnomAD v4.1: 8 of 1,613,984 alleles (0.0005%); highest among the groups gnomAD compares: Non-Finnish European, 0.000085%; no homozygotes.

Submission:

Labcorp Genetics (formerly Invitae), Labcorp
Classification: Likely pathogenic for Osteogenesis imperfecta type 8. Last evaluated: 2025-05-12. Review status: criteria provided, single submitter. Criteria: Invitae Variant Classification Sherloc (09022015). Collection method: clinical testing. Allele origin: germline.
Comment: This sequence change affects a donor splice site in intron 4 of the P3H1 gene. It is expected to disrupt RNA splicing. Variants that disrupt the donor or acceptor splice site typically lead to a loss of protein function (PMID: 16199547), and loss-of-function variants in P3H1 are known to be pathogenic (PMID: 17277775, 18566967, 19088120, 22281939). This variant is present in population databases (rs762525651, gnomAD 0.01%). This variant has not been reported in the literature in individuals affected with P3H1-related conditions. ClinVar contains an entry for this variant (Variation ID: 566929). Algorithms developed to predict the effect of sequence changes on RNA splicing suggest that this variant may disrupt the consensus splice site. In summary, the currently available evidence indicates that the variant is pathogenic, but additional data are needed to prove that conclusively. Therefore, this variant has been classified as Likely Pathogenic.

Literature cited by the submitters: PubMed 16199547; PubMed 17277775; PubMed 18566967; PubMed 19088120; PubMed 22281939.